The following is an entry in ClinVar:

NM_001430.5(EPAS1):c.458C>G (p.Ser153Cys)

Genes: EPAS1 (endothelial PAS domain protein 1; plus strand), LOC126806210 (BRD4-independent group 4 enhancer GRCh37_chr2:46587586-46588785; plus strand). Cytogenetic location: 2p21.
Variant type: single nucleotide variant.
Coding change: c.458C>G on transcript NM_001430.5 (MANE Select); coding-DNA position 458, C replaced by G.
Protein change: p.Ser153Cys; replaces serine 153 with cysteine.
Molecular consequence: missense variant.
Genome position (GRCh38, 1-based): chr2:46,360,641, C>G. VCF-style: chr2-46360641-C-G. GRCh37 (hg19) VCF-style: chr2-46587780-C-G.
Other names: short protein forms S153C.
Identifiers: ClinVar variation 2497565 (VCV002497565.2), dbSNP rs2546454847, ClinGen allele CA346698880.
Genomic context (GRCh38, chr2:46,360,641, plus strand): 5'-CATGAATATCCATATAAAACTGACTTCAGCTGGTTCTTCCCATCCTTCCACATCCAGGCT[C>G]TGGTTTTGGGAAAAAAAGCAAAGACATGTCCACAGAGCGGGACTTCTTCATGAGGATGAA-3'
Protein context (NP_001421.2, residues 143-163): IRENLSLKNG[Ser153Cys]GFGKKSKDMS

ClinVar aggregate classification (germline): Uncertain significance (1 of 4 stars; one submission).

Conditions:
Inborn genetic diseases. Identifiers: MedGen C0950123, MeSH D030342.

Submission:

Ambry Genetics
Classification: Uncertain significance for Inborn genetic diseases. Last evaluated: 2022-11-04. Review status: criteria provided, single submitter. Criteria: Ambry Variant Classification Scheme 2023. Collection method: clinical testing. Allele origin: germline.
Comment: The p.S153C variant (also known as c.458C>G), located in coding exon 5 of the EPAS1 gene, results from a C to G substitution at nucleotide position 458. The serine at codon 153 is replaced by cysteine, an amino acid with dissimilar properties. This amino acid position is conserved. In addition, this alteration is predicted to be tolerated by in silico analysis. Since supporting evidence is limited at this time, the clinical significance of this alteration remains unclear.